The following is an entry in ClinVar:

ClinVar aggregate classification (germline): Likely benign. Review status: criteria provided, multiple submitters, no conflicts (2 of 4 stars). 3 submissions from 3 submitters: Likely benign (2). 1 of the submissions does not count toward it. Last evaluated 2025-02-01.

Conditions:
PEX16-related disorder. Also called: PEX16-related condition.

Allele frequency attached by ClinVar (database versions not stated): TOPMed 0.00002; gnomAD 0.00003; ESP Exome Variant Server 0.00008; ExAC 0.00016; 1000 Genomes Project 0.00040; 1000 Genomes Project 30x 0.00047.
gnomAD v4.1: 124 of 1,612,280 alleles (0.0077%); highest among the groups gnomAD compares: South Asian, 0.065%; 2 homozygotes.

Submissions (3):

CeGaT Center for Human Genetics Tuebingen
Classification: Likely benign. Last evaluated: 2025-02-01. Review status: criteria provided, single submitter. Criteria: CeGaT Center For Human Genetics Tuebingen Variant Classification Criteria Version 2. Collection method: clinical testing. Allele origin: germline. Affected: yes. Observed: 1 variant allele.
Comment: PEX16: BP4, BP7

Blueprint Genetics
Classification: Likely benign. Last evaluated: 2024-11-22. Review status: criteria provided, single submitter. Criteria: ACMG Guidelines, 2015. Collection method: clinical testing. Allele origin: germline.

PreventionGenetics, part of Exact Sciences
Classification: Likely benign for PEX16-related condition. Last evaluated: 2021-12-29. Review status: no assertion criteria provided. Collection method: clinical testing. Allele origin: germline. Not counted in ClinVar's aggregate classification.
Comment: This variant is classified as likely benign based on ACMG/AMP sequence variant interpretation guidelines (Richards et al. 2015 PMID: 25741868, with internal and published modifications).

NM_004813.4(PEX16):c.*78G>A

Gene: PEX16 (peroxisomal biogenesis factor 16; minus strand). Cytogenetic location: 11p11.2.
Variant type: single nucleotide variant.
Coding change: c.*78G>A on transcript NM_004813.4 (MANE Select); 78 bases downstream of the stop codon, G replaced by A.
Molecular consequence: 3 prime UTR variant. On other transcripts: synonymous variant (1).
Genome position (GRCh38, 1-based): chr11:45,910,176, C>T on the plus strand (G>A on the coding strand, the complement: PEX16 is on the minus strand). VCF-style: chr11-45910176-C-T. GRCh37 (hg19) VCF-style: chr11-45931727-C-T.
Other names: c.954G>A, p.Thr318= (NM_057174.3).
Identifiers: ClinVar variation 3036863 (VCV003036863.16), dbSNP rs141070939, ClinGen allele CA5959695.